The following is an entry in ClinVar:

ClinVar aggregate classification (germline): Pathogenic (1 of 4 stars; one submission).

Conditions:
6-Pyruvoyl-tetrahydrobiopterin synthase deficiency. Also called: 6-Pyruvoyltetrahydropterin Synthase Deficiency; HYPERPHENYLALANINEMIA, TETRAHYDROBIOPTERIN-DEFICIENT, DUE TO PTS DEFICIENCY; BH4-deficient hyperphenylalaninemia A; PTS-Related Tetrahydrobiopterin Deficiency; PTS DEFICIENCY; Hyperphenylalanemia, BH4-deficient, A. Identifiers: Orphanet 13, Orphanet 238583, MedGen C0878676, MONDO:0009863, OMIM 261640.

Submission:

Labcorp Genetics (formerly Invitae), Labcorp
Classification: Pathogenic for 6-Pyruvoyl-tetrahydrobiopterin synthase deficiency. Last evaluated: 2021-05-09. Review status: criteria provided, single submitter. Criteria: Invitae Variant Classification Sherloc (09022015). Collection method: clinical testing. Allele origin: germline.
Comment: This sequence change creates a premature translational stop signal (p.Tyr128*) in the PTS gene. While this is not anticipated to result in nonsense mediated decay, it is expected to disrupt the last 18 amino acid(s) of the PTS protein. This variant is not present in population databases (ExAC no frequency). This variant has not been reported in the literature in individuals with PTS-related conditions. This variant disrupts the C-terminus of the PTS protein. Other variant(s) that disrupt this region (p.Glu134*) have been determined to be pathogenic (Invitae). This suggests that variants that disrupt this region of the protein are likely to be causative of disease. For these reasons, this variant has been classified as Pathogenic.

NM_000317.3(PTS):c.384T>A (p.Tyr128Ter)

Gene: PTS (6-pyruvoyltetrahydropterin synthase; plus strand). Cytogenetic location: 11q23.1.
Variant type: single nucleotide variant.
Coding change: c.384T>A on transcript NM_000317.3 (MANE Select); coding-DNA position 384, T replaced by A.
Protein change: p.Tyr128Ter; replaces tyrosine 128 with a stop codon.
Molecular consequence: nonsense.
Genome position (GRCh38, 1-based): chr11:112,233,501, T>A. VCF-style: chr11-112233501-T-A. GRCh37 (hg19) VCF-style: chr11-112104224-T-A.
Other names: short protein forms Y128*.
Identifiers: ClinVar variation 1451742 (VCV001451742.8), dbSNP rs1859971691, ClinGen allele CA382628085.
Genomic context (GRCh38, chr11:112,233,501, plus strand): 5'-AAATGTAGCTGTTTATATCTGGGACAACCTCCAGAAAGTTCTTCCTGTAGGAGTTCTTTA[T>A]AAAGTAAAAGTATACGAAACTGACAATAATATTGTGGTTTATAAAGGAGAATAGCTATTG-3'